The following is an entry in ClinVar:

NC_000016.9:g.(?_72143294)_(72146396_?)dup

Gene: DHX38 (DEAH-box helicase 38; plus strand). Cytogenetic location: 16q22.2.
Variant type: Duplication.
Identifiers: ClinVar variation 1513297 (VCV001513297.5).

ClinVar aggregate classification (germline): Uncertain significance (1 of 4 stars; one submission).

Submission:

Labcorp Genetics (formerly Invitae), Labcorp
Classification: Uncertain significance. Last evaluated: 2022-11-08. Review status: criteria provided, single submitter. Criteria: Invitae Variant Classification Sherloc (09022015). Collection method: clinical testing. Allele origin: germline.
Comment: This variant has not been reported in the literature in individuals affected with DHX38-related conditions. In summary, the available evidence is currently insufficient to determine the role of this variant in disease. Therefore, it has been classified as a Variant of Uncertain Significance. Experimental studies and prediction algorithms are not available or were not evaluated, and the functional significance of this variant is currently unknown. This variant results in a copy number gain of the genomic region encompassing exon(s) 25-27 of the DHX38 gene. This region includes the termination codon of the gene. This copy number gain extends beyond the assayed region for this gene and therefore may encompass additional genes. As the precise location of this event is unknown, it may be in tandem or it may be located elsewhere in the genome.